The following is an entry in ClinVar:

ClinVar aggregate classification (germline): Uncertain significance (1 of 4 stars; one submission).

Conditions:
Familial thoracic aortic aneurysm and aortic dissection (TAAD). Also called: Thoracic aortic aneurysms and dissections. Identifiers: Orphanet 91387, MedGen C4707243, MONDO:0019625.
Marfan syndrome (MFS). Also called: FBN1-Related Marfan Syndrome; Marfan syndrome type 1; Marfan's syndrome; Marfan syndrome, classic; MARFAN SYNDROME, TYPE I. Identifiers: Orphanet 284963, Orphanet 558, MedGen C0024796, MONDO:0007947, OMIM 154700.

Submission:

Labcorp Genetics (formerly Invitae), Labcorp
Classification: Uncertain significance for Marfan syndrome; Familial thoracic aortic aneurysm and aortic dissection. Last evaluated: 2020-03-12. Review status: criteria provided, single submitter. Criteria: Invitae Variant Classification Sherloc (09022015). Collection method: clinical testing. Allele origin: germline.
Comment: This variant, c.2736_2738delTGA, results in the deletion of 1 amino acid of the FBN1 protein (p.Asp912del), but otherwise preserves the integrity of the reading frame. In summary, the available evidence is currently insufficient to determine the role of this variant in disease. Therefore, it has been classified as a Variant of Uncertain Significance. Experimental studies and prediction algorithms are not available for this variant, and the functional significance of the deleted amino acid is currently unknown. This variant is not present in population databases (ExAC no frequency).

NM_000138.5(FBN1):c.2736_2738del (p.Asp912del)

Gene: FBN1 (fibrillin 1; minus strand). Cytogenetic location: 15q21.1.
Variant type: Deletion.
Coding change: c.2736_2738del on transcript NM_000138.5 (MANE Select); coding-DNA positions 2736 to 2738, 3 bases deleted (TGA; older notation c.2736_2738delTGA).
Protein change: p.Asp912del; deletes aspartic acid 912.
Molecular consequence: inframe deletion.
Genome position (GRCh38, 1-based): chr15:48,492,577-48,492,579, TCA deleted on the plus strand (TGA on the coding strand, the reverse complement: FBN1 is on the minus strand); deleting any 3 consecutive bases within chr15:48,492,577-48,492,581 gives the same sequence; the c. name uses the placement nearest the transcript's 3' end. VCF-style (leftmost placement, unchanged base first): chr15-48492576-TTCA-T. GRCh37 (hg19) VCF-style: chr15-48784773-TTCA-T.
Other names: c.2736_2738delTGA (NM_000138.4); short protein forms D912del.
Identifiers: ClinVar variation 567615 (VCV000567615.8), dbSNP rs1566910954, ClinGen allele CA891843843.